The following is an entry in ClinVar:

NM_001244008.2(KIF1A):c.3626C>T (p.Pro1209Leu)

Gene: KIF1A (kinesin family member 1A; minus strand). Cytogenetic location: 2q37.3.
Variant type: single nucleotide variant.
Coding change: c.3626C>T on transcript NM_001244008.2 (MANE Select); coding-DNA position 3626, C replaced by T.
Protein change: p.Pro1209Leu; replaces proline 1209 with leucine.
Molecular consequence: missense variant.
Genome position (GRCh38, 1-based): chr2:240,742,943, G>A on the plus strand (C>T on the coding strand, the complement: KIF1A is on the minus strand). VCF-style: chr2-240742943-G-A. GRCh37 (hg19) VCF-style: chr2-241682360-G-A.
Other names: c.3350C>T, p.Pro1117Leu (NM_001320705.2, NM_001330289.2, NM_001379638.1); c.3425C>T, p.Pro1142Leu (NM_001330290.2, NM_001379634.1, NM_001379635.1 and 1 more transcripts); c.3701C>T, p.Pro1234Leu (NM_001379631.1); c.3575C>T, p.Pro1192Leu (NM_001379632.1); c.3599C>T, p.Pro1200Leu (NM_001379633.1, NM_001379642.1, NM_001379645.1); c.3323C>T, p.Pro1108Leu (NM_001379636.1, NM_001379639.1, NM_001379641.1 and 5 more transcripts); c.3398C>T, p.Pro1133Leu (NM_001379637.1, NM_001379648.1); c.3320C>T, p.Pro1107Leu (NM_001379640.1); short protein forms P1209L, P1108L, P1142L, P1117L, P1107L, P1133L, P1192L, P1200L.
Identifiers: ClinVar variation 571906 (VCV000571906.9), dbSNP rs1559493171, ClinGen allele CA351316389.

ClinVar aggregate classification (germline): Uncertain significance (1 of 4 stars; one submission).

Conditions:
Neuropathy, hereditary sensory, type 2C. Also called: KIF1A-Related HSAN2 (HSAN2C); Hereditary sensory and autonomic neuropathy type IIC. Identifiers: Orphanet 970, MedGen C3280168, MONDO:0013634, OMIM 614213.
Intellectual disability, autosomal dominant 9 (NESCAVS). Also called: NESCAV SYNDROME; KIF1A-Related Neurodevelopmental Disorder. Identifiers: Orphanet 662367, MedGen C5393830, MONDO:0013656, OMIM 614255.
Hereditary spastic paraplegia 30. Identifiers: Orphanet 101010, MedGen C5235139, MONDO:0012476.

Allele frequency attached by ClinVar (database versions not stated): gnomAD exomes below 0.00001.
gnomAD v4.1: 1 of 1,611,790 alleles (0.000062%); highest among the groups gnomAD compares: Non-Finnish European, 0.000085%; no homozygotes.

Submission:

Labcorp Genetics (formerly Invitae), Labcorp
Classification: Uncertain significance for Hereditary spastic paraplegia 30; Neuropathy, hereditary sensory, type 2C; Intellectual disability, autosomal dominant 9. Last evaluated: 2018-06-20. Review status: criteria provided, single submitter. Criteria: Invitae Variant Classification Sherloc (09022015). Collection method: clinical testing. Allele origin: germline.
Comment: Algorithms developed to predict the effect of missense changes on protein structure and function are either unavailable or do not agree on the potential impact of this missense change (SIFT: "Tolerated"; PolyPhen-2: "Probably Damaging"; Align-GVGD: "Class C0"). In summary, the available evidence is currently insufficient to determine the role of this variant in disease. Therefore, it has been classified as a Variant of Uncertain Significance. This variant has not been reported in the literature in individuals with KIF1A-related disease. This variant is not present in population databases (ExAC no frequency). This sequence change replaces proline with leucine at codon 1108 of the KIF1A protein (p.Pro1108Leu). The proline residue is highly conserved and there is a moderate physicochemical difference between proline and leucine.